The following is an entry in ClinVar:

NM_005247.4(FGF3):c.575G>A (p.Arg192Gln)

Gene: FGF3 (fibroblast growth factor 3; minus strand). Cytogenetic location: 11q13.3.
Variant type: single nucleotide variant.
Coding change: c.575G>A on transcript NM_005247.4 (MANE Select); coding-DNA position 575, G replaced by A.
Protein change: p.Arg192Gln; replaces arginine 192 with glutamine.
Molecular consequence: missense variant.
Genome position (GRCh38, 1-based): chr11:69,810,450, C>T on the plus strand (G>A on the coding strand, the complement: FGF3 is on the minus strand). VCF-style: chr11-69810450-C-T. GRCh37 (hg19) VCF-style: chr11-69625218-C-T.
Other names: short protein forms R192Q.
Identifiers: ClinVar variation 3383829 (VCV003383829.1).

ClinVar aggregate classification (germline): Uncertain significance (1 of 4 stars; one submission).

Submission:

GeneDx
Classification: Uncertain significance. Last evaluated: 2024-05-31. Review status: criteria provided, single submitter. Criteria: GeneDx Variant Classification Process June 2021. Collection method: clinical testing. Allele origin: germline. Affected: yes.
Comment: Not observed at significant frequency in large population cohorts (gnomAD); In silico analysis indicates that this missense variant does not alter protein structure/function; Has not been previously published as pathogenic or benign to our knowledge